The following is an entry in ClinVar:

ClinVar aggregate classification (germline): Uncertain significance (1 of 4 stars; one submission).

Conditions:
Nance-Horan syndrome (NHS). Identifiers: Orphanet 627, MedGen C0796085, MONDO:0010545, OMIM 302350.

Submission:

Labcorp Genetics (formerly Invitae), Labcorp
Classification: Uncertain significance for Nance-Horan syndrome. Last evaluated: 2025-02-15. Review status: criteria provided, single submitter. Criteria: Invitae Variant Classification Sherloc (09022015). Collection method: clinical testing. Allele origin: germline.
Comment: This sequence change replaces alanine, which is neutral and non-polar, with glutamic acid, which is acidic and polar, at codon 1111 of the NHS protein (p.Ala1111Glu). This variant is not present in population databases (gnomAD no frequency). This variant has not been reported in the literature in individuals affected with NHS-related conditions. Invitae Evidence Modeling of protein sequence and biophysical properties (such as structural, functional, and spatial information, amino acid conservation, physicochemical variation, residue mobility, and thermodynamic stability) indicates that this missense variant is expected to disrupt NHS protein function with a positive predictive value of 80%. In summary, the available evidence is currently insufficient to determine the role of this variant in disease. Therefore, it has been classified as a Variant of Uncertain Significance.

NM_001291867.2(NHS):c.3395C>A (p.Ala1132Glu)

Gene: NHS (NHS actin remodeling regulator; plus strand). Cytogenetic location: Xp22.13.
Variant type: single nucleotide variant.
Coding change: c.3395C>A on transcript NM_001291867.2 (MANE Select); coding-DNA position 3395, C replaced by A.
Protein change: p.Ala1132Glu; replaces alanine 1132 with glutamic acid.
Molecular consequence: missense variant.
Genome position (GRCh38, 1-based): chrX:17,727,501, C>A. VCF-style: chrX-17727501-C-A. GRCh37 (hg19) VCF-style: chrX-17745621-C-A.
Other names: c.2864C>A, p.Ala955Glu (NM_001136024.4); c.2801C>A, p.Ala934Glu (NM_001291868.2); c.3332C>A, p.Ala1111Glu (NM_198270.4); short protein forms A1132E, A1111E, A934E, A955E.
Identifiers: ClinVar variation 3663881 (VCV003663881.2).